The following is an entry in ClinVar:

ClinVar aggregate classification (germline): Pathogenic (1 of 4 stars; one submission).

Submission:

ISCA site 4
Classification: Pathogenic. Last evaluated: 2011-08-12. Review status: criteria provided, single submitter. Criteria: Kaminsky et al. (Genet Med. 2011). Collection method: clinical testing. Allele origin: unknown. Affected: yes. Observed: 1 variant allele.
Comment: Copy number variation identified through the course of routine clinical cytogenomic testing in postnatal populations. Clinical assertions have been curated as described in Kaminsky et al. 2011.

GRCh38/hg38 8p23.3(chr8:244617-2017223)x1

Genes: MIR3674 (microRNA 3674; plus strand), MIR596 (microRNA 596; plus strand), TDRP (testis development related protein; minus strand), ZNF596 (zinc finger protein 596; plus strand), ARHGEF10 (Rho guanine nucleotide exchange factor 10; plus strand) and 43 more. Cytogenetic location: 8p23.3.
Variant type: copy number loss.
Change: copy number 1 (one copy instead of two) of chr8:244,617-2,017,223 (1.77 Mb, GRCh38 coordinates, 1-based), cytogenetic band 8p23.3.
Identifiers: ClinVar variation 161035 (VCV000161035.1).